The following is an entry in ClinVar:

ClinVar aggregate classification (germline): Uncertain significance (1 of 4 stars; one submission).

Conditions:
EPILEPSY, CHILDHOOD ABSENCE, SUSCEPTIBILITY TO, 2 (ECA2). Identifiers: Orphanet 64280, MedGen C1843244, OMIM 607681.
Febrile seizures, familial, 8 (FEB8). Also called: CONVULSIONS, FAMILIAL FEBRILE, 8. Identifiers: Orphanet 36387, MedGen C1969810, MONDO:0011891, OMIM 607681.

Allele frequency attached by ClinVar (database versions not stated): gnomAD 0.00001; gnomAD exomes 0.00002.
gnomAD v4.1: 31 of 1,613,250 alleles (0.0019%); highest among the groups gnomAD compares: Non-Finnish European, 0.0025%; no homozygotes.

Submission:

Labcorp Genetics (formerly Invitae), Labcorp
Classification: Uncertain significance for Febrile seizures, familial, 8; EPILEPSY, CHILDHOOD ABSENCE, SUSCEPTIBILITY TO, 2. Last evaluated: 2024-07-18. Review status: criteria provided, single submitter. Criteria: Invitae Variant Classification Sherloc (09022015). Collection method: clinical testing. Allele origin: germline.
Comment: This sequence change replaces tryptophan, which is neutral and slightly polar, with glycine, which is neutral and non-polar, at codon 26 of the GABRG2 protein (p.Trp26Gly). This variant is present in population databases (no rsID available, gnomAD 0.002%). This variant has not been reported in the literature in individuals affected with GABRG2-related conditions. ClinVar contains an entry for this variant (Variation ID: 2064500). Advanced modeling of protein sequence and biophysical properties (such as structural, functional, and spatial information, amino acid conservation, physicochemical variation, residue mobility, and thermodynamic stability) performed at Invitae indicates that this missense variant is not expected to disrupt GABRG2 protein function with a negative predictive value of 95%. In summary, the available evidence is currently insufficient to determine the role of this variant in disease. Therefore, it has been classified as a Variant of Uncertain Significance.

NM_198904.4(GABRG2):c.76T>G (p.Trp26Gly)

Gene: GABRG2 (gamma-aminobutyric acid type A receptor subunit gamma2; plus strand). Cytogenetic location: 5q34.
Variant type: single nucleotide variant.
Coding change: c.76T>G on transcript NM_198904.4 (MANE Select); coding-DNA position 76, T replaced by G.
Protein change: p.Trp26Gly; replaces tryptophan 26 with glycine.
Molecular consequence: missense variant. On other transcripts: 5 prime UTR variant (3), intron variant (1).
Genome position (GRCh38, 1-based): chr5:162,068,075, T>G. VCF-style: chr5-162068075-T-G. GRCh37 (hg19) VCF-style: chr5-161495081-T-G.
Other names: c.76T>G, p.Trp26Gly (NM_000816.3, NM_001375339.1, NM_001375340.1 and 5 more transcripts); c.10T>G, p.Trp4Gly (NM_001375345.1, NM_001375346.1); c.-283T>G (NM_001375348.1, NM_001375350.1); c.-331T>G (NM_001375349.1); c.20+434T>G (NM_001375347.1); short protein forms W4G, W26G.
Identifiers: ClinVar variation 2064500 (VCV002064500.4), dbSNP rs1293775808, ClinGen allele CA362181862.